The following is an entry in ClinVar:

NM_001127222.2(CACNA1A):c.4094T>C (p.Val1365Ala)

Genes: CACNA1A (calcium voltage-gated channel subunit alpha1 A; minus strand), LOC126862864 (MED14-independent group 3 enhancer GRCh37_chr19:13371552-13372751; plus strand). Cytogenetic location: 19p13.13.
Variant type: single nucleotide variant.
Coding change: c.4094T>C on transcript NM_001127222.2 (MANE Select); coding-DNA position 4094, T replaced by C.
Protein change: p.Val1365Ala; replaces valine 1365 with alanine.
Molecular consequence: missense variant.
Genome position (GRCh38, 1-based): chr19:13,261,606, A>G on the plus strand (T>C on the coding strand, the complement: CACNA1A is on the minus strand). VCF-style: chr19-13261606-A-G. GRCh37 (hg19) VCF-style: chr19-13372420-A-G.
Other names: c.4106T>C, p.Val1369Ala (NM_000068.4, NM_023035.3); c.4097T>C, p.Val1366Ala (NM_001127221.2, NM_001174080.2); short protein forms V1365A, V1366A, V1369A.
Identifiers: ClinVar variation 4789722 (VCV004789722.1).

ClinVar aggregate classification (germline): Uncertain significance (1 of 4 stars; one submission).

Conditions:
Episodic ataxia type 2 (EA2). Also called: ACETAZOLAMIDE-RESPONSIVE HEREDITARY PAROXYSMAL CEREBELLAR ATAXIA; ATAXIA, EPISODIC, WITH NYSTAGMUS; ATAXIA, FAMILIAL PAROXYSMAL; CEREBELLAR ATAXIA, PAROXYSMAL, ACETAZOLAMIDE-RESPONSIVE; CEREBELLOPATHY, HEREDITARY PAROXYSMAL; EPISODIC ATAXIA, NYSTAGMUS-ASSOCIATED. Identifiers: Orphanet 97, MedGen C1720416, MONDO:0007163, OMIM 108500.
Developmental and epileptic encephalopathy, 42 (DEE42A). Also called: Epileptic encephalopathy, early infantile, 42; DEVELOPMENTAL AND EPILEPTIC ENCEPHALOPATHY 42A; EPILEPTIC ENCEPHALOPATHY, EARLY INFANTILE, 42A. Identifiers: MedGen C4310716, MONDO:0014917, OMIM 617106.

Submission:

Labcorp Genetics (formerly Invitae), Labcorp
Classification: Uncertain significance for Developmental and epileptic encephalopathy, 42; Episodic ataxia type 2. Last evaluated: 2025-05-17. Review status: criteria provided, single submitter. Criteria: Invitae Variant Classification Sherloc (09022015). Collection method: clinical testing. Allele origin: germline.
Comment: This sequence change replaces valine, which is neutral and non-polar, with alanine, which is neutral and non-polar, at codon 1366 of the CACNA1A protein (p.Val1366Ala). This variant is not present in population databases (gnomAD no frequency). This missense change has been observed in individual(s) with clinical features of CACNA1A-related conditions (internal data). Invitae Evidence Modeling of protein sequence and biophysical properties (such as structural, functional, and spatial information, amino acid conservation, physicochemical variation, residue mobility, and thermodynamic stability) indicates that this missense variant is expected to disrupt CACNA1A protein function with a positive predictive value of 95%. This variant disrupts the p.Val1366 amino acid residue in CACNA1A. Other variant(s) that disrupt this residue have been observed in individuals with CACNA1A-related conditions (internal data), which suggests that this may be a clinically significant amino acid residue. In summary, the available evidence is currently insufficient to determine the role of this variant in disease. Therefore, it has been classified as a Variant of Uncertain Significance.